The following is an entry in ClinVar:

NM_000020.3(ACVRL1):c.41dup (p.Met15fs)

Gene: ACVRL1 (activin A receptor like type 1; plus strand). Cytogenetic location: 12q13.13.
Variant type: Duplication.
Coding change: c.41dup on transcript NM_000020.3 (MANE Select); coding-DNA position 41, one base duplicated (T; older notation c.41dupT).
Protein change: p.Met15fs; shifts the reading frame from methionine 15.
Molecular consequence: frameshift variant.
Genome position (GRCh38, 1-based): chr12:51,912,515, T duplicated. VCF-style (leftmost placement, unchanged base first): chr12-51912514-C-CT. GRCh37 (hg19) VCF-style: chr12-52306298-C-CT.
Other names: c.41dupT (NM_000020.2); c.41dup, p.Met15fs (NM_001077401.2); short protein forms M15fs.
Identifiers: ClinVar variation 411301 (VCV000411301.1), dbSNP rs1060503236, ClinGen allele CA16614035.

ClinVar aggregate classification (germline): Pathogenic (1 of 4 stars; one submission).

Conditions:
Telangiectasia, hereditary hemorrhagic, type 2 (HHT2). Also called: ACVRL1-Related Hereditary Hemorrhagic Telangiectasia; Telangiectasia, hereditary hemorrhagic, type II. Identifiers: Orphanet 774, MedGen C1838163, MONDO:0010880, OMIM 600376. Disease mechanism: loss of function.

Submission:

Labcorp Genetics (formerly Invitae), Labcorp
Classification: Pathogenic for Telangiectasia, hereditary hemorrhagic, type 2. Last evaluated: 2017-07-03. Review status: criteria provided, single submitter. Criteria: Invitae Variant Classification Sherloc (09022015). Collection method: clinical testing. Allele origin: germline.
Comment: This sequence change inserts 1 nucleotide in exon 2 of the ACVRL1 mRNA (c.41dupT), causing a frameshift at codon 15. This creates a premature translational stop signal (p.Met15Aspfs*23) and is expected to result in an absent or disrupted protein product. While this particular variant has not been reported in the literature, loss-of-function variants in ACVRL1 are known to be pathogenic (PMID: 15879500). For these reasons, this variant has been classified as Pathogenic.